The following is an entry in ClinVar:

NM_001040108.2(MLH3):c.3052G>A (p.Gly1018Arg)

Gene: MLH3 (mutL homolog 3; minus strand). Cytogenetic location: 14q24.3.
Variant type: single nucleotide variant.
Coding change: c.3052G>A on transcript NM_001040108.2 (MANE Select); coding-DNA position 3052, G replaced by A.
Protein change: p.Gly1018Arg; replaces glycine 1018 with arginine.
Molecular consequence: missense variant.
Genome position (GRCh38, 1-based): chr14:75,046,604, C>T on the plus strand (G>A on the coding strand, the complement: MLH3 is on the minus strand). VCF-style: chr14-75046604-C-T. GRCh37 (hg19) VCF-style: chr14-75513307-C-T.
Other names: c.3052G>A, p.Gly1018Arg (NM_014381.3); short protein forms G1018R.
Identifiers: ClinVar variation 2711500 (VCV002711500.3), dbSNP rs2503254952, ClinGen allele CA390436714.

ClinVar aggregate classification (germline): Uncertain significance (1 of 4 stars; one submission).

Conditions:
Colorectal cancer, hereditary nonpolyposis, type 7. Identifiers: Orphanet 144, MedGen C1858380, MONDO:0013725, OMIM 614385.

Submission:

Labcorp Genetics (formerly Invitae), Labcorp
Classification: Uncertain significance for Colorectal cancer, hereditary nonpolyposis, type 7. Last evaluated: 2024-01-25. Review status: criteria provided, single submitter. Criteria: Invitae Variant Classification Sherloc (09022015). Collection method: clinical testing. Allele origin: germline.
Comment: This sequence change replaces glycine, which is neutral and non-polar, with arginine, which is basic and polar, at codon 1018 of the MLH3 protein (p.Gly1018Arg). This variant is not present in population databases (gnomAD no frequency). This variant has not been reported in the literature in individuals affected with MLH3-related conditions. An algorithm developed to predict the effect of missense changes on protein structure and function (PolyPhen-2) suggests that this variant is likely to be tolerated. In summary, the available evidence is currently insufficient to determine the role of this variant in disease. Therefore, it has been classified as a Variant of Uncertain Significance.